The following is an entry in ClinVar:

ClinVar aggregate classification (germline): Likely benign. Review status: criteria provided, multiple submitters, no conflicts (2 of 4 stars). 2 submissions from 2 submitters: Likely benign (2). Last evaluated 2026-09-01.

Conditions:
Autosomal dominant childhood-onset proximal spinal muscular atrophy with contractures (SMALED2A). Also called: SPINAL MUSCULAR ATROPHY, LOWER EXTREMITY-PREDOMINANT, 2A, CHILDHOOD ONSET, AUTOSOMAL DOMINANT; Spinal muscular atrophy, lower extremity-predominant, 2A, autosomal dominant. Identifiers: Orphanet 363447, Orphanet 363454, MedGen C4747715, MONDO:0014121, OMIM 615290.

Allele frequency attached by ClinVar (database versions not stated): TOPMed below 0.00001; ExAC 0.00001; gnomAD 0.00001; gnomAD exomes 0.00001.
gnomAD v4.1: 4 of 1,611,198 alleles (0.00025%); highest among the groups gnomAD compares: Non-Finnish European, 0.00034%; no homozygotes.

Submissions (2):

CeGaT Center for Human Genetics Tuebingen
Classification: Likely benign. Last evaluated: 2026-09-01. Review status: criteria provided, single submitter. Criteria: CeGaT Center For Human Genetics Tuebingen Variant Classification Criteria Version 2. Collection method: clinical testing. Allele origin: germline. Affected: yes. Observed: 1 variant allele.
Comment: BICD2: BP4, BP7

Labcorp Genetics (formerly Invitae), Labcorp
Classification: Likely benign for Autosomal dominant childhood-onset proximal spinal muscular atrophy with contractures. Last evaluated: 2026-01-25. Review status: criteria provided, single submitter. Criteria: Invitae Variant Classification Sherloc (09022015). Collection method: clinical testing. Allele origin: germline.

NM_001003800.2(BICD2):c.1482G>A (p.Gln494=)

Gene: BICD2 (BICD cargo adaptor 2; minus strand). Cytogenetic location: 9q22.31.
Variant type: single nucleotide variant.
Coding change: c.1482G>A on transcript NM_001003800.2 (MANE Select); coding-DNA position 1482, G replaced by A.
Protein change: p.Gln494=; no amino-acid change (glutamine 494 retained).
Molecular consequence: synonymous variant.
Genome position (GRCh38, 1-based): chr9:92,719,163, C>T on the plus strand (G>A on the coding strand, the complement: BICD2 is on the minus strand). VCF-style: chr9-92719163-C-T. GRCh37 (hg19) VCF-style: chr9-95481445-C-T.
Other names: c.1482G>A, p.Gln494= (NM_015250.4).
Identifiers: ClinVar variation 2146041 (VCV002146041.5), dbSNP rs758448651, ClinGen allele CA5126542.